The following is an entry in ClinVar:

ClinVar aggregate classification (germline): Conflicting classifications of pathogenicity. Review status: criteria provided, conflicting classifications (1 of 4 stars). 7 submissions from 7 submitters: Uncertain significance (5); Likely benign (2). Last evaluated 2026-02-01.

Conditions:
Facial dysmorphism-immunodeficiency-livedo-short stature syndrome. Also called: Facial dysmorphism, immunodeficiency, livedo, and short stature; FILS syndrome. Identifiers: Orphanet 352712, MedGen C3554576, MONDO:0014058, OMIM 615139.
Colorectal cancer, susceptibility to, 12 (CRCS12). Also called: COLORECTAL CANCER, SUSCEPTIBILITY TO, ON CHROMOSOME 12q24. Identifiers: Orphanet 220460, MedGen C3554460, MONDO:0014038, OMIM 615083.
Hereditary cancer-predisposing syndrome. Also called: Neoplastic Syndromes, Hereditary; Hereditary neoplastic syndrome; Tumor predisposition; Hereditary Cancer Syndrome. Identifiers: Orphanet 140162, MedGen C0027672, MeSH D009386, MONDO:0015356.

Allele frequency attached by ClinVar (database versions not stated): ExAC 0.00002; gnomAD 0.00003; gnomAD exomes 0.00004; TOPMed 0.00007; ESP Exome Variant Server 0.00015.
gnomAD v4.1: 63 of 1,611,214 alleles (0.0039%); highest among the groups gnomAD compares: Admixed American, 0.04%; no homozygotes.

Submissions (7):

CeGaT Center for Human Genetics Tuebingen
Classification: Likely benign. Last evaluated: 2026-02-01. Review status: criteria provided, single submitter. Criteria: CeGaT Center For Human Genetics Tuebingen Variant Classification Criteria Version 2. Collection method: clinical testing. Allele origin: germline. Affected: yes. Observed: 1 variant allele.
Comment: POLE: BP4, BS1

Labcorp Genetics (formerly Invitae), Labcorp
Classification: Uncertain significance. Last evaluated: 2026-01-22. Review status: criteria provided, single submitter. Criteria: Invitae Variant Classification Sherloc (09022015). Collection method: clinical testing. Allele origin: germline.
Comment: This sequence change replaces arginine, which is basic and polar, with histidine, which is basic and polar, at codon 1382 of the POLE protein (p.Arg1382His). This variant is present in population databases (rs143229302, gnomAD 0.02%). This missense change has been observed in individual(s) with melanoma (PMID: 29641532). ClinVar contains an entry for this variant (Variation ID: 405766). Invitae Evidence Modeling of protein sequence and biophysical properties (such as structural, functional, and spatial information, amino acid conservation, physicochemical variation, residue mobility, and thermodynamic stability) indicates that this missense variant is not expected to disrupt POLE protein function with a negative predictive value of 80%. In summary, the available evidence is currently insufficient to determine the role of this variant in disease. Therefore, it has been classified as a Variant of Uncertain Significance.

GeneDx
Classification: Uncertain significance. Last evaluated: 2025-06-10. Review status: criteria provided, single submitter. Criteria: GeneDx Variant Classification Process June 2021. Collection method: clinical testing. Allele origin: germline. Affected: yes.
Comment: In silico analysis supports that this missense variant has a deleterious effect on protein structure/function; Observed in individuals with cutaneous melanoma and other cancers (PMID: 29641532); This variant is associated with the following publications: (PMID: 29572003, 29641532, DayanD2024[preprint])

St. Jude Molecular Pathology, St. Jude Children's Research Hospital
Classification: Uncertain significance for Colorectal cancer, susceptibility to, 12. Last evaluated: 2025-01-16. Review status: criteria provided, single submitter. Criteria: St. Jude Assertion Criteria 2020. Collection method: clinical testing. Allele origin: germline.
Comment: The POLE c.4145G>A p.(Arg1382His) missense change has a maximum subpopulation frequency of 0.020% in gnomAD v2.1.1. The in silico tool predicts a benign effect of this variant on protein function, and functional studies have not been performed. This variant has not been reported in the literature in individuals with POLE-related disease. In summary, the evidence currently available is insufficient to determine the clinical significance of this variant. It has therefore been classified as of uncertain significance.

Ambry Genetics
Classification: Likely benign for Hereditary cancer-predisposing syndrome. Last evaluated: 2024-07-30. Review status: criteria provided, single submitter. Criteria: Ambry Variant Classification Scheme 2023. Collection method: clinical testing. Allele origin: germline.

Quest Diagnostics Nichols Institute San Juan Capistrano
Classification: Uncertain significance. Last evaluated: 2019-03-05. Review status: criteria provided, single submitter. Criteria: Quest Diagnostics criteria. Collection method: clinical testing. Allele origin: germline.

Fulgent Genetics
Classification: Uncertain significance for Colorectal cancer, susceptibility to, 12; Facial dysmorphism-immunodeficiency-livedo-short stature syndrome. Last evaluated: 2018-10-31. Review status: criteria provided, single submitter. Criteria: ACMG Guidelines, 2015. Collection method: clinical testing. Allele origin: unknown.

Literature cited by the submitters: PubMed 29641532 (cited by Labcorp Genetics (formerly Invitae), Labcorp and Quest Diagnostics Nichols Institute San Juan Capistrano); PubMed 29572003 (cited by Quest Diagnostics Nichols Institute San Juan Capistrano).

NM_006231.4(POLE):c.4145G>A (p.Arg1382His)

Gene: POLE (DNA polymerase epsilon, catalytic subunit; minus strand). Cytogenetic location: 12q24.33.
Variant type: single nucleotide variant.
Coding change: c.4145G>A on transcript NM_006231.4 (MANE Select); coding-DNA position 4145, G replaced by A.
Protein change: p.Arg1382His; replaces arginine 1382 with histidine.
Molecular consequence: missense variant.
Genome position (GRCh38, 1-based): chr12:132,648,933, C>T on the plus strand (G>A on the coding strand, the complement: POLE is on the minus strand). VCF-style: chr12-132648933-C-T. GRCh37 (hg19) VCF-style: chr12-133225519-C-T.
Other names: short protein forms R1382H.
Identifiers: ClinVar variation 405766 (VCV000405766.24), dbSNP rs143229302, ClinGen allele CA6892989.